The following is an entry in ClinVar:

ClinVar aggregate classification (germline): Uncertain significance (1 of 4 stars; one submission).

Allele frequency attached by ClinVar (database versions not stated): gnomAD exomes 0.00001 and 0.00003; ExAC 0.00009.
gnomAD v4.1: 8 of 1,522,856 alleles (0.00053%); highest among the groups gnomAD compares: South Asian, 0.0013%; no homozygotes.

Submission:

Labcorp Genetics (formerly Invitae), Labcorp
Classification: Uncertain significance. Last evaluated: 2023-10-25. Review status: criteria provided, single submitter. Criteria: Invitae Variant Classification Sherloc (09022015). Collection method: clinical testing. Allele origin: germline.
Comment: This sequence change replaces serine, which is neutral and polar, with glycine, which is neutral and non-polar, at codon 458 of the ACAN protein (p.Ser458Gly). This variant is present in population databases (rs780169895, gnomAD 0.007%). This variant has not been reported in the literature in individuals affected with ACAN-related conditions. ClinVar contains an entry for this variant (Variation ID: 1374834). Advanced modeling of protein sequence and biophysical properties (such as structural, functional, and spatial information, amino acid conservation, physicochemical variation, residue mobility, and thermodynamic stability) performed at Invitae indicates that this missense variant is not expected to disrupt ACAN protein function with a negative predictive value of 80%. In summary, the available evidence is currently insufficient to determine the role of this variant in disease. Therefore, it has been classified as a Variant of Uncertain Significance.

NM_001369268.1(ACAN):c.1372A>G (p.Ser458Gly)

Gene: ACAN (aggrecan; plus strand). Cytogenetic location: 15q26.1.
Variant type: single nucleotide variant.
Coding change: c.1372A>G on transcript NM_001369268.1 (MANE Select); coding-DNA position 1372, A replaced by G.
Protein change: p.Ser458Gly; replaces serine 458 with glycine.
Molecular consequence: missense variant.
Genome position (GRCh38, 1-based): chr15:88,845,825, A>G. VCF-style: chr15-88845825-A-G. GRCh37 (hg19) VCF-style: chr15-89389056-A-G.
Other names: c.1372A>G, p.Ser458Gly (NM_001135.4, NM_013227.4); short protein forms S458G.
Identifiers: ClinVar variation 1374834 (VCV001374834.8), dbSNP rs780169895, ClinGen allele CA7719529.
Genomic context (GRCh38, chr15:88,845,825, plus strand): 5'-GAGGCCACCAGGCCCTGGGGCTTTCCCACACCTGGCCTGGGCCCTGCCACGGCATTCACC[A>G]GTGAGGACCTCGTCGTGCAGGTGACCGCTGTCCCTGGGCAGCCGCATTTGCCAGGGGGTA-3'
Protein context (NP_001356197.1, residues 448-468): PGLGPATAFT[Ser458Gly]EDLVVQVTAV